The following is an entry in ClinVar:

NM_000132.4(F8):c.2299C>T (p.His767Tyr)

Gene: F8 (coagulation factor VIII; minus strand). Cytogenetic location: Xq28.
Variant type: single nucleotide variant.
Coding change: c.2299C>T on transcript NM_000132.4 (MANE Select); coding-DNA position 2299, C replaced by T.
Protein change: p.His767Tyr; replaces histidine 767 with tyrosine.
Molecular consequence: missense variant.
Genome position (GRCh38, 1-based): chrX:154,931,491, G>A on the plus strand (C>T on the coding strand, the complement: F8 is on the minus strand). VCF-style: chrX-154931491-G-A. GRCh37 (hg19) VCF-style: chrX-154159766-G-A.
Other names: short protein forms H767Y.
Identifiers: ClinVar variation 913258 (VCV000913258.7), dbSNP rs782115513, ClinGen allele CA10568339.

ClinVar aggregate classification (germline): Uncertain significance. Review status: criteria provided, multiple submitters, no conflicts (2 of 4 stars). 3 submissions from 3 submitters: Uncertain significance (3). Last evaluated 2025-04-25.

Conditions:
F8-related disorder. Also called: F8-related condition.
Hereditary factor VIII deficiency disease (HEMA). Also called: Hemophilia A; Factor 8 deficiency, congenital; HEMOPHILIA, CLASSIC; AUTOSOMAL HEMOPHILIA A; Hemophilia A, congenital; HEM A. Identifiers: Orphanet 98878, MedGen C0019069, MONDO:0010602, OMIM 306700.
Inborn genetic diseases. Identifiers: MedGen C0950123, MeSH D030342.

Allele frequency attached by ClinVar (database versions not stated): TOPMed 0.00002; ExAC 0.00001; gnomAD exomes 0.00002 and 0.00003; gnomAD 0.00005.
gnomAD v4.1: 28 of 1,210,162 alleles (0.0023%); highest among the groups gnomAD compares: Admixed American, 0.0087%; no homozygotes.

Submissions (3):

PreventionGenetics, part of Exact Sciences
Classification: Uncertain significance for F8-related condition. Last evaluated: 2025-04-25. Review status: criteria provided, single submitter. Criteria: ACMG Guidelines, 2015. Collection method: clinical testing. Allele origin: germline.
Comment: The F8 c.2299C>T variant is predicted to result in the amino acid substitution p.His767Tyr. This variant has been identified in a cohort of patients, carriers, or relatives of individuals with Hemophilia A or B, but was considered not likely to be causative (Table S3 in Johnsen et al. 2022. PubMed ID: 35770352). This variant is reported in 0.0054% of alleles in individuals of European (Non-Finnish) descent in gnomAD. At this time, the clinical significance of this variant is uncertain due to the absence of conclusive functional and genetic evidence.

Ambry Genetics
Classification: Uncertain significance for Inborn genetic diseases. Last evaluated: 2021-11-15. Review status: criteria provided, single submitter. Criteria: Ambry Variant Classification Scheme 2023. Collection method: clinical testing. Allele origin: germline.

Illumina Laboratory Services, Illumina
Classification: Uncertain significance for Hereditary factor VIII deficiency disease. Last evaluated: 2018-01-13. Review status: criteria provided, single submitter. Criteria: ICSL Variant Classification Criteria 13 December 2019. Collection method: clinical testing. Allele origin: germline.